The following is an entry in ClinVar:

NM_133510.4(RAD51B):c.854-2A>G

Gene: RAD51B (RAD51 paralog B; plus strand). Cytogenetic location: 14q24.1.
Variant type: single nucleotide variant.
Coding change: c.854-2A>G on transcript NM_133510.4 (MANE Select); the canonical splice acceptor site of the intron before coding-DNA position 854, A replaced by G.
Molecular consequence: splice acceptor variant.
Genome position (GRCh38, 1-based): chr14:68,411,422, A>G. VCF-style: chr14-68411422-A-G. GRCh37 (hg19) VCF-style: chr14-68878139-A-G.
Other names: c.854-2A>G (NM_001321818.2, NM_001321809.2, NM_001321821.2 and 6 more transcripts); c.497-2A>G (NM_001321817.2); c.740-2A>G (NM_001321815.1).
Identifiers: ClinVar variation 4149791 (VCV004149791.1).
Genomic context (GRCh38, chr14:68,411,422, plus strand): 5'-TCATGTGAAATGCCATCTCAAGAAAGGGCATCTGAAAGCGTGCTTTTACCATTTCATTTC[A>G]GGCACTTCTGGATCCAGCTGTGTGATAGCCGCACTAGGAAATACCTGGAGTCACAGTGTG-3'

ClinVar aggregate classification (germline): Uncertain significance (1 of 4 stars; one submission).

gnomAD v4.1: 11 of 1,613,588 alleles (0.00068%); highest among the groups gnomAD compares: East Asian, 0.0067%; no homozygotes.

Submission:

Ambry Genetics
Classification: Uncertain significance. Last evaluated: 2025-07-03. Review status: criteria provided, single submitter. Criteria: Ambry Variant Classification Scheme 2023. Collection method: clinical testing. Allele origin: germline.
Comment: The c.854-2A>G intronic variant results from an A to G substitution two nucleotides upstream from coding exon 8 in the RAD51B gene. This nucleotide position is highly conserved in available vertebrate species. In silico splice site analysis predicts that this alteration will weaken the native splice acceptor site. The evidence for this gene-disease relationship is limited; therefore, the clinical significance of this alteration is unclear.